The following is an entry in ClinVar:

ClinVar aggregate classification (germline): Pathogenic (1 of 4 stars; one submission).

Conditions:
Neuromuscular disease caused by qualitative or quantitative defects of dysferlin. Also called: Qualitative or quantitative defects of dysferlin; Dysferlinopathy. Identifiers: Orphanet 207073, MedGen C2931687, MONDO:0016145.

Submission:

Labcorp Genetics (formerly Invitae), Labcorp
Classification: Pathogenic for Neuromuscular disease caused by qualitative or quantitative defects of dysferlin. Last evaluated: 2022-08-05. Review status: criteria provided, single submitter. Criteria: Invitae Variant Classification Sherloc (09022015). Collection method: clinical testing. Allele origin: germline.
Comment: This sequence change creates a premature translational stop signal (p.Glu1013Serfs*44) in the DYSF gene. It is expected to result in an absent or disrupted protein product. Loss-of-function variants in DYSF are known to be pathogenic (PMID: 17698709, 20301480). This variant is not present in population databases (gnomAD no frequency). This variant has not been reported in the literature in individuals affected with DYSF-related conditions. For these reasons, this variant has been classified as Pathogenic.

Literature cited by the submitters: PubMed 17698709; PubMed 20301480.

NM_001130987.2(DYSF):c.3091del (p.Glu1031fs)

Gene: DYSF (dysferlin; plus strand). Cytogenetic location: 2p13.2.
Variant type: Deletion.
Coding change: c.3091del on transcript NM_001130987.2 (MANE Select); coding-DNA position 3091, one base deleted (G; older notation c.3091delG).
Protein change: p.Glu1031fs; shifts the reading frame from glutamic acid 1031.
Molecular consequence: frameshift variant.
Genome position (GRCh38, 1-based): chr2:71,570,604, G deleted; the last of 3 consecutive G bases (chr2:71,570,602-71,570,604); deleting any one gives the same sequence. VCF-style (leftmost placement, unchanged base first): chr2-71570601-TG-T. GRCh37 (hg19) VCF-style: chr2-71797731-TG-T.
Other names: c.3040del, p.Glu1014fs (NM_001130455.2, NM_001130983.2); c.2995del, p.Glu999fs (NM_001130976.2, NM_001130977.2); c.3037del, p.Glu1013fs (NM_001130978.2, NM_003494.4); c.3130del, p.Glu1044fs (NM_001130979.2); c.3088del, p.Glu1030fs (NM_001130980.2, NM_001130981.2); c.3133del, p.Glu1045fs (NM_001130982.2); c.2998del, p.Glu1000fs (NM_001130984.2, NM_001130986.2); c.3091del, p.Glu1031fs (NM_001130985.2); short protein forms E1013fs, E1044fs, E999fs, E1000fs, E1045fs, E1014fs, E1030fs, E1031fs.
Identifiers: ClinVar variation 2021914 (VCV002021914.4), dbSNP rs2545823182, ClinGen allele CA2580067854.